The following is an entry in ClinVar:

ClinVar aggregate classification (germline): Pathogenic. Review status: criteria provided, multiple submitters, no conflicts (2 of 4 stars). 2 submissions from 2 submitters: Pathogenic (2). Last evaluated 2024-07-09.

Conditions:
Hereditary cancer-predisposing syndrome. Also called: Neoplastic Syndromes, Hereditary; Tumor predisposition; Hereditary Cancer Syndrome; Hereditary neoplastic syndrome. Identifiers: Orphanet 140162, MedGen C0027672, MeSH D009386, MONDO:0015356.

Submissions (2):

Labcorp Genetics (formerly Invitae), Labcorp
Classification: Pathogenic for Hereditary cancer-predisposing syndrome. Last evaluated: 2024-07-09. Review status: criteria provided, single submitter. Criteria: Invitae Variant Classification Sherloc (09022015). Collection method: clinical testing. Allele origin: germline.
Comment: This sequence change creates a premature translational stop signal (p.Ser263*) in the RAD50 gene. It is expected to result in an absent or disrupted protein product. Loss-of-function variants in RAD50 are known to be pathogenic (PMID: 19409520). This variant is not present in population databases (gnomAD no frequency). This variant has not been reported in the literature in individuals affected with RAD50-related conditions. ClinVar contains an entry for this variant (Variation ID: 1761007). For these reasons, this variant has been classified as Pathogenic.

Ambry Genetics
Classification: Pathogenic for Hereditary cancer-predisposing syndrome. Last evaluated: 2022-09-12. Review status: criteria provided, single submitter. Criteria: Ambry Variant Classification Scheme 2023. Collection method: clinical testing. Allele origin: germline.
Comment: The c.788_789delCT pathogenic mutation, located in coding exon 6 of the RAD50 gene, results from a deletion of two nucleotides at nucleotide positions 788 to 789, causing a translational frameshift with a predicted alternate stop codon (p.S263*). This variant is considered to be rare based on population cohorts in the Genome Aggregation Database (gnomAD). This alteration is expected to result in loss of function by premature protein truncation or nonsense-mediated mRNA decay. As such, this alteration is interpreted as a disease-causing mutation.

Literature cited by the submitters: PubMed 19409520 (cited by Labcorp Genetics (formerly Invitae), Labcorp).

NM_005732.4(RAD50):c.788_789del (p.Leu262_Ser263insTer)

Gene: RAD50 (RAD50 double strand break repair protein; plus strand). Cytogenetic location: 5q31.1.
Variant type: Microsatellite.
Coding change: c.788_789del on transcript NM_005732.4 (MANE Select); coding-DNA positions 788 to 789, 2 bases deleted (CT; older notation c.788_789delCT).
Protein change: p.Leu262_Ser263insTer.
Molecular consequence: nonsense.
Genome position (GRCh38, 1-based): chr5:132,587,593-132,587,594, CT deleted; deleting any 2 consecutive bases within chr5:132,587,588-132,587,594 gives the same sequence; the c. name uses the placement nearest the transcript's 3' end. VCF-style (leftmost placement, unchanged base first): chr5-132587587-ATC-A. GRCh37 (hg19) VCF-style: chr5-131923279-ATC-A.
Identifiers: ClinVar variation 1761007 (VCV001761007.5), dbSNP rs2479631621, ClinGen allele CA2580613653.